The following is an entry in ClinVar:

NM_002180.3(IGHMBP2):c.273G>C (p.Leu91=)

Gene: IGHMBP2 (immunoglobulin mu DNA binding protein 2; plus strand). Cytogenetic location: 11q13.3.
Variant type: single nucleotide variant.
Coding change: c.273G>C on transcript NM_002180.3 (MANE Select); coding-DNA position 273, G replaced by C.
Protein change: p.Leu91=; no amino-acid change (leucine 91 retained).
Molecular consequence: synonymous variant.
Genome position (GRCh38, 1-based): chr11:68,908,161, G>C. VCF-style: chr11-68908161-G-C. GRCh37 (hg19) VCF-style: chr11-68675629-G-C.
Identifiers: ClinVar variation 383811 (VCV000383811.4), dbSNP rs772280279, ClinGen allele CA16606396.

ClinVar aggregate classification (germline): Likely benign. Review status: criteria provided, multiple submitters, no conflicts (2 of 4 stars). 3 submissions from 3 submitters: Likely benign (3). Last evaluated 2024-05-09.

Conditions:
Inborn genetic diseases. Identifiers: MedGen C0950123, MeSH D030342.

gnomAD v4.1: 11 of 1,613,994 alleles (0.00068%); highest among the groups gnomAD compares: Non-Finnish European, 0.00076%; no homozygotes.

Submissions (3):

Blueprint Genetics
Classification: Likely benign. Last evaluated: 2024-05-09. Review status: criteria provided, single submitter. Criteria: ACMG Guidelines, 2015. Collection method: clinical testing. Allele origin: germline.

Ambry Genetics
Classification: Likely benign for Inborn genetic diseases. Last evaluated: 2019-07-11. Review status: criteria provided, single submitter. Criteria: Ambry Variant Classification Scheme 2023. Collection method: clinical testing. Allele origin: germline.

GeneDx
Classification: Likely benign. Last evaluated: 2016-02-25. Review status: criteria provided, single submitter. Criteria: GeneDx Variant Classification (06012015). Collection method: clinical testing. Allele origin: germline. Affected: yes.
Comment: This variant is considered likely benign or benign based on one or more of the following criteria: it is a conservative change, it occurs at a poorly conserved position in the protein, it is predicted to be benign by multiple in silico algorithms, and/or has population frequency not consistent with disease.